The following is an entry in ClinVar:

NM_000089.4(COL1A2):c.1964G>A (p.Gly655Glu)

Gene: COL1A2 (collagen type I alpha 2 chain; plus strand). Cytogenetic location: 7q21.3.
Variant type: single nucleotide variant.
Coding change: c.1964G>A on transcript NM_000089.4 (MANE Select); coding-DNA position 1964, G replaced by A.
Protein change: p.Gly655Glu; replaces glycine 655 with glutamic acid.
Molecular consequence: missense variant.
Genome position (GRCh38, 1-based): chr7:94,417,824, G>A. VCF-style: chr7-94417824-G-A. GRCh37 (hg19) VCF-style: chr7-94047136-G-A.
Other names: short protein forms G655E.
Identifiers: ClinVar variation 456812 (VCV000456812.10), dbSNP rs1554397275, ClinGen allele CA368222956.

ClinVar aggregate classification (germline): Pathogenic (1 of 4 stars; one submission).

Conditions:
Ehlers-Danlos syndrome, classic type, 1 (EDSCL1). Also called: EHLERS-DANLOS SYNDROME, GRAVIS TYPE; EHLERS-DANLOS SYNDROME, SEVERE CLASSIC TYPE; EDS I; Ehlers-Danlos Syndrome, Classic Type, COL5A1-Related; Ehlers-Danlos syndrome, type 1. Identifiers: MedGen C0268335, MONDO:0019567, OMIM 130000.
Osteogenesis imperfecta type I (OI1). Also called: OI, TYPE I; OSTEOGENESIS IMPERFECTA TARDA; OSTEOGENESIS IMPERFECTA WITH BLUE SCLERAE; Classic Non-deforming Osteogenesis Imperfecta with Blue Sclerae; Lobstein disease; Osteogenesis imperfecta type 1. Identifiers: Orphanet 216796, Orphanet 666, MedGen C0023931, MONDO:0008146, OMIM 166200. Disease mechanism: loss of function.

Submission:

Labcorp Genetics (formerly Invitae), Labcorp
Classification: Pathogenic for Osteogenesis imperfecta type I; Ehlers-Danlos syndrome, classic type, 1. Last evaluated: 2023-04-27. Review status: criteria provided, single submitter. Criteria: Invitae Variant Classification Sherloc (09022015). Collection method: clinical testing. Allele origin: germline.
Comment: For these reasons, this variant has been classified as Pathogenic. This variant disrupts the triple helix domain of COL1A2. Glycine residues within the Gly-Xaa-Yaa repeats of the triple helix domain are required for the structure and stability of fibrillar collagens (PMID: 7695699, 8218237, 19344236). In COL1A2, variants affecting these glycine residues are significantly enriched in individuals with disease (PMID: 9016532, 17078022) compared to the general population (ExAC). Advanced modeling of protein sequence and biophysical properties (such as structural, functional, and spatial information, amino acid conservation, physicochemical variation, residue mobility, and thermodynamic stability) performed at Invitae indicates that this missense variant is expected to disrupt COL1A2 protein function. ClinVar contains an entry for this variant (Variation ID: 456812). This missense change has been observed in individual(s) with osteogenesis imperfecta (PMID: 30715774). This variant is not present in population databases (gnomAD no frequency). This sequence change replaces glycine, which is neutral and non-polar, with glutamic acid, which is acidic and polar, at codon 655 of the COL1A2 protein (p.Gly655Glu).

Literature cited by the submitters: PubMed 7695699; PubMed 8218237; PubMed 19344236; PubMed 9016532; PubMed 17078022; PubMed 30715774.